The following is an entry in ClinVar:

NM_006231.4(POLE):c.5697del (p.Phe1900fs)

Gene: POLE (DNA polymerase epsilon, catalytic subunit; minus strand). Cytogenetic location: 12q24.33.
Variant type: Deletion.
Coding change: c.5697del on transcript NM_006231.4 (MANE Select); coding-DNA position 5697, one base deleted (C; older notation c.5697delC).
Protein change: p.Phe1900fs; shifts the reading frame from phenylalanine 1900.
Molecular consequence: frameshift variant.
Genome position (GRCh38, 1-based): chr12:132,636,006, G deleted on the plus strand (C on the coding strand, the reverse complement: POLE is on the minus strand); the first of 2 consecutive G bases (chr12:132,636,006-132,636,007); deleting either gives the same sequence. VCF-style (leftmost placement, unchanged base first): chr12-132636005-AG-A. GRCh37 (hg19) VCF-style: chr12-133212591-AG-A.
Other names: short protein forms F1900fs.
Identifiers: ClinVar variation 3696740 (VCV003696740.2).

ClinVar aggregate classification (germline): Pathogenic (1 of 4 stars; one submission).

Submission:

Labcorp Genetics (formerly Invitae), Labcorp
Classification: Pathogenic. Last evaluated: 2024-09-03. Review status: criteria provided, single submitter. Criteria: Invitae Variant Classification Sherloc (09022015). Collection method: clinical testing. Allele origin: germline.
Comment: This sequence change creates a premature translational stop signal (p.Phe1900Serfs*4) in the POLE gene. It is expected to result in an absent or disrupted protein product. Loss-of-function variants in POLE are known to be pathogenic (PMID: 23230001, 25948378, 30503519). This variant is present in population databases (no rsID available, gnomAD 0.007%). This variant has not been reported in the literature in individuals affected with POLE-related conditions. For these reasons, this variant has been classified as Pathogenic.

Literature cited by the submitters: PubMed 23230001; PubMed 25948378; PubMed 30503519.